The following is an entry in ClinVar:

NM_007294.4(BRCA1):c.1390A>G (p.Thr464Ala)

Gene: BRCA1 (BRCA1 DNA repair associated; minus strand). Cytogenetic location: 17q21.31.
Variant type: single nucleotide variant.
Coding change: c.1390A>G on transcript NM_007294.4 (MANE Select); coding-DNA position 1390, A replaced by G.
Protein change: p.Thr464Ala; replaces threonine 464 with alanine.
Molecular consequence: missense variant. On other transcripts: intron variant (137).
Genome position (GRCh38, 1-based): chr17:43,094,141, T>C on the plus strand (A>G on the coding strand, the complement: BRCA1 is on the minus strand). VCF-style: chr17-43094141-T-C. GRCh37 (hg19) VCF-style: chr17-41246158-T-C.
Other names: c.1177A>G, p.Thr393Ala (NM_001407571.1, NM_001407853.1, NM_001407894.1 and 9 more transcripts); c.1390A>G, p.Thr464Ala (NM_001407581.1, NM_001407582.1, NM_001407583.1 and 30 more transcripts); c.1387A>G, p.Thr463Ala (NM_001407587.1, NM_001407590.1, NM_001407591.1 and 22 more transcripts); c.1312A>G, p.Thr438Ala (NM_001407657.1, NM_001407658.1, NM_001407663.1 and 4 more transcripts); c.1309A>G, p.Thr437Ala (NM_001407659.1, NM_001407660.1, NM_001407661.1 and 1 more transcripts); c.1267A>G, p.Thr423Ala (NM_001407664.1, NM_001407665.1, NM_001407676.1 and 19 more transcripts); c.1249A>G, p.Thr417Ala (NM_001407696.1, NM_001407697.1, NM_001407698.1 and 29 more transcripts); c.1246A>G, p.Thr416Ala (NM_001407740.1, NM_001407741.1, NM_001407742.1 and 20 more transcripts); and 40 more; short protein forms T464A, T417A, T353A, T376A, T396A, T337A, T375A, T437A.
Identifiers: ClinVar variation 225728 (VCV000225728.7), dbSNP rs869320787, ClinGen allele CA10576087.
Genomic context (GRCh38, chr17:43,094,141, plus strand): 5'-CTATAATTAGATTTTCAGTTACATGGCTTAAGTTGGGGAGGCTTGCCTTCTTCCGATAGG[T>C]TTTCCCAAATATTTTGTCTTCAATATTACTCTCTACTGATTTGGAGTGAACTCTTTCACT-3'
Protein context (NP_009225.1, residues 454-474): SNIEDKIFGK[Thr464Ala]YRKKASLPNL

ClinVar aggregate classification (germline): Conflicting classifications of pathogenicity. Review status: criteria provided, conflicting classifications (1 of 4 stars). 4 submissions from 4 submitters: Uncertain significance (2); Likely benign (2). Last evaluated 2025-10-15.

Conditions:
Breast and/or ovarian cancer. Identifiers: MedGen CN221562.
Breast-ovarian cancer, familial, susceptibility to, 1 (BROVCA1). Also called: BRCA1 Hereditary Breast and Ovarian Cancer; OVARIAN CANCER, SUSCEPTIBILITY TO. Identifiers: Orphanet 145, MedGen C2676676, MONDO:0011450, OMIM 604370. Disease mechanism: loss of function.
Hereditary cancer-predisposing syndrome. Also called: Tumor predisposition; Hereditary Cancer Syndrome; Neoplastic Syndromes, Hereditary; Hereditary neoplastic syndrome. Identifiers: Orphanet 140162, MedGen C0027672, MeSH D009386, MONDO:0015356.

Submissions (4):

Ambry Genetics
Classification: Uncertain significance for Hereditary cancer-predisposing syndrome. Last evaluated: 2025-10-15. Review status: criteria provided, single submitter. Criteria: Ambry Variant Classification Scheme 2023. Collection method: clinical testing. Allele origin: germline.
Comment: The p.T464A variant (also known as c.1390A>G), located in coding exon 9 of the BRCA1 gene, results from an A to G substitution at nucleotide position 1390. The threonine at codon 464 is replaced by alanine, an amino acid with similar properties. This amino acid position is highly conserved in available vertebrate species. In addition, this alteration is predicted to be deleterious by in silico analysis. Based on the available evidence, the clinical significance of this variant remains unclear.

University of Washington Department of Laboratory Medicine, University of Washington
Classification: Likely benign for Hereditary cancer-predisposing syndrome. Last evaluated: 2023-03-23. Review status: criteria provided, single submitter. Criteria: Dines et al. (Genet Med. 2020). Collection method: curation. Allele origin: germline.
Comment: Missense variant in a coldspot region where missense variants are very unlikely to be pathogenic (PMID:31911673).

BRCA1 coldspot (exon 11 using historical exon numbering). Reclassification based on statistical prior probability

CHEO Genetics Diagnostic Laboratory, Children's Hospital of Eastern Ontario
Classification: Uncertain significance for Breast and/or ovarian cancer. Last evaluated: 2022-05-09. Review status: criteria provided, single submitter. Criteria: ACMG Guidelines, 2015. Collection method: clinical testing. Allele origin: germline.

Molecular Genetics Laboratory, University of Michigan
Classification: Likely benign for Breast-ovarian cancer, familial, susceptibility to, 1. Last evaluated: 2016-04-21. Review status: criteria provided, single submitter. Criteria: ACMG Guidelines, 2015. Collection method: clinical testing. Allele origin: germline. Affected: yes.